The following is an entry in ClinVar:

NM_000136.3(FANCC):c.1255_1257del (p.Pro419del)

Genes: AOPEP (aminopeptidase O (putative); plus strand), FANCC (FA complementation group C; minus strand). Cytogenetic location: 9q22.32.
Variant type: Deletion.
Coding change: c.1255_1257del on transcript NM_000136.3 (MANE Select); coding-DNA positions 1255 to 1257, 3 bases deleted (CCC; older notation c.1255_1257delCCC).
Protein change: p.Pro419del; deletes proline 419.
Molecular consequence: inframe deletion. On other transcripts: inframe indel (1).
Genome position (GRCh38, 1-based): chr9:95,111,535-95,111,537, GGG deleted on the plus strand (CCC on the coding strand, the reverse complement: FANCC is on the minus strand); deleting any 3 consecutive bases within chr9:95,111,535-95,111,540 gives the same sequence; the c. name uses the placement nearest the transcript's 3' end. VCF-style (leftmost placement, unchanged base first): chr9-95111534-TGGG-T. GRCh37 (hg19) VCF-style: chr9-97873816-TGGG-T.
Other names: c.1255_1257delCCC (NM_000136.2); c.1255_1257del, p.Pro419del (NM_001243743.2, NM_001243744.2); short protein forms P419del.
Identifiers: ClinVar variation 1761586 (VCV001761586.2), dbSNP rs765551897, ClinGen allele CA5137412.
Genomic context (GRCh38, chr9:95,111,534, plus strand): 5'-CTCTCTGCTGCCTCCCATCACGGGGGCCGTAGTAGAAGGCCAAGAGCCACAGCAGGGCCG[TGGG>T]GGGTTCGGCTGCCGACATCAGTAATTGCTCTGCCACCATCTCAGCCCATCCTCCGAAGTG-3'

ClinVar aggregate classification (germline): Uncertain significance (1 of 4 stars; one submission).

Conditions:
Hereditary cancer-predisposing syndrome. Also called: Neoplastic Syndromes, Hereditary; Tumor predisposition; Hereditary Cancer Syndrome; Hereditary neoplastic syndrome. Identifiers: Orphanet 140162, MedGen C0027672, MeSH D009386, MONDO:0015356.

Submission:

Ambry Genetics
Classification: Uncertain significance for Hereditary cancer-predisposing syndrome. Last evaluated: 2020-10-29. Review status: criteria provided, single submitter. Criteria: Ambry Variant Classification Scheme 2023. Collection method: clinical testing. Allele origin: germline.
Comment: The c.1255_1257delCCC variant (also known as p.P419del) is located in coding exon 12 of the FANCC gene. This variant results from an in-frame CCC deletion at nucleotide positions 1255 to 1257. This results in the in-frame deletion of a proline at codon 419. This amino acid position is not well conserved in available vertebrate species. In addition, the in silico prediction for this alteration is inconclusive (Choi Y et al. PLoS ONE. 2012; 7(10):e46688). Since supporting evidence is limited at this time, the clinical significance of this alteration remains unclear.